The following is an entry in ClinVar:

ClinVar aggregate classification (germline): Uncertain significance (1 of 4 stars; one submission).

Submission:

CeGaT Center for Human Genetics Tuebingen
Classification: Uncertain significance. Last evaluated: 2023-07-01. Review status: criteria provided, single submitter. Criteria: CeGaT Center For Human Genetics Tuebingen Variant Classification Criteria Version 2. Collection method: clinical testing. Allele origin: germline. Affected: yes. Observed: 1 variant allele.
Comment: DLL1: PM2

NM_005618.4(DLL1):c.1177T>C (p.Cys393Arg)

Gene: DLL1 (delta like canonical Notch ligand 1; minus strand). Cytogenetic location: 6q27.
Variant type: single nucleotide variant.
Coding change: c.1177T>C on transcript NM_005618.4 (MANE Select); coding-DNA position 1177, T replaced by C.
Protein change: p.Cys393Arg; replaces cysteine 393 with arginine.
Molecular consequence: missense variant.
Genome position (GRCh38, 1-based): chr6:170,284,991, A>G on the plus strand (T>C on the coding strand, the complement: DLL1 is on the minus strand). VCF-style: chr6-170284991-A-G. GRCh37 (hg19) VCF-style: chr6-170594079-A-G.
Other names: short protein forms C393R.
Identifiers: ClinVar variation 2657154 (VCV002657154.24), dbSNP rs2483350377, ClinGen allele CA366507855.